The following is an entry in ClinVar:

NM_014159.7(SETD2):c.5521_5522del (p.Asp1841fs)

Gene: SETD2 (SET domain containing 2, histone lysine methyltransferase; minus strand). Cytogenetic location: 3p21.31.
Variant type: Microsatellite.
Coding change: c.5521_5522del on transcript NM_014159.7 (MANE Select); coding-DNA positions 5521 to 5522, 2 bases deleted (GA; older notation c.5521_5522delGA).
Protein change: p.Asp1841fs; shifts the reading frame from aspartic acid 1841.
Molecular consequence: frameshift variant. On other transcripts: non-coding transcript variant (1).
Genome position (GRCh38, 1-based): chr3:47,084,258-47,084,259, TC deleted on the plus strand (GA on the coding strand, the reverse complement: SETD2 is on the minus strand); deleting any 2 consecutive bases within chr3:47,084,258-47,084,261 gives the same sequence; the c. name uses the placement nearest the transcript's 3' end. VCF-style (leftmost placement, unchanged base first): chr3-47084257-ATC-A. GRCh37 (hg19) VCF-style: chr3-47125747-ATC-A.
Other names: c.5389_5390del, p.Asp1797fs (NM_001349370.3); short protein forms D1797fs, D1841fs.
Identifiers: ClinVar variation 2444125 (VCV002444125.1), dbSNP rs2545519137, ClinGen allele CA2580614220.
Genomic context (GRCh38, chr3:47,084,257, plus strand): 5'-GGAAGGATCAGGTGTGTTGAGTGGTGTATGAGCACGCGATGTATTCTCACTAGAATACCC[ATC>A]TCCTTCACTCAACGGAGGGACAGCAGTCTTAGTCTGAGACCAGCGTTGAATAATTGGAAG-3'

ClinVar aggregate classification (germline): Likely pathogenic (1 of 4 stars; one submission).

Conditions:
Luscan-Lumish syndrome. Identifiers: Orphanet 597738, MedGen C4085873, MONDO:0014791, OMIM 616831.

Submission:

3billion
Classification: Likely pathogenic for Luscan-Lumish syndrome. Last evaluated: 2023-02-23. Review status: criteria provided, single submitter. Criteria: ACMG Guidelines, 2015. Collection method: clinical testing. Allele origin: unknown. Affected: yes.
Comment: The variant is not observed in the gnomAD v2.1.1 dataset. This variant was predicted to result in a loss or disruption of normal protein function through nonsense-mediated decay (NMD) or protein truncation. Multiple pathogenic variants are reported downstream of the variant. Therefore, this variant is classified as Likely pathogenic according to the recommendation of ACMG/AMP guideline.